The following is an entry in ClinVar:

ClinVar aggregate classification (germline): Uncertain significance (1 of 4 stars; one submission).

Conditions:
Inborn genetic diseases. Identifiers: MedGen C0950123, MeSH D030342.

gnomAD v4.1: 2 of 1,456,980 alleles (0.00014%); highest among the groups gnomAD compares: Non-Finnish European, 0.00018%; no homozygotes.

Submission:

Ambry Genetics
Classification: Uncertain significance for Inborn genetic diseases. Last evaluated: 2020-08-28. Review status: criteria provided, single submitter. Criteria: Ambry Variant Classification Scheme 2023. Collection method: clinical testing. Allele origin: germline.
Comment: The c.11238G>A variant (also known as p.R3746R), located in coding exon 60 of the DST gene, results from a G to A substitution at nucleotide position 11238. This nucleotide substitution does not change the arginine at codon 3746. However, this change occurs in the last base pair of coding exon 60, which makes it likely to have some effect on normal mRNA splicing. The resulting transcript is predicted to be in-frame and is expected to delete the Spectrin 6 domain associated with disease (Brown A et al. Nat. Genet., 1995 Jul;10:301-6; Young KG et al. Cell Motil. Cytoskeleton, 2007 Dec;64:897-905; Liem RK. Cold Spring Harb Perspect Biol, 2016 Oct;8:; Motley WW et al. Neurol Genet, 2020 Oct;6:e496); however, direct evidence is unavailable. This nucleotide position is highly conserved in available vertebrate species. In silico splice site analysis predicts that this alteration may weaken the native splice donor site. Since supporting evidence is limited at this time, the clinical significance of this alteration remains unclear.

Literature cited by the submitters: PubMed 17849487; PubMed 27698030; PubMed 32802955; PubMed 7670468.

NM_001374736.1(DST):c.17595G>A (p.Arg5865=)

Gene: DST (dystonin; minus strand). Cytogenetic location: 6p12.1.
Variant type: single nucleotide variant.
Coding change: c.17595G>A on transcript NM_001374736.1 (MANE Select); coding-DNA position 17595, G replaced by A.
Protein change: p.Arg5865=; no amino-acid change (arginine 5865 retained).
Molecular consequence: synonymous variant. On other transcripts: intron variant (2).
Genome position (GRCh38, 1-based): chr6:56,529,448, C>T on the plus strand (G>A on the coding strand, the complement: DST is on the minus strand). VCF-style: chr6-56529448-C-T. GRCh37 (hg19) VCF-style: chr6-56394246-C-T.
Other names: c.11238G>A, p.Arg3746= (NM_001144769.5); c.10824G>A, p.Arg3608= (NM_001144770.2); c.17595G>A, p.Arg5865= (NM_001374722.1); c.17622G>A, p.Arg5874= (NM_001374734.1); c.10704G>A, p.Arg3568= (NM_001386100.1, NM_183380.4); c.9726G>A, p.Arg3242= (NM_015548.5); c.10378-523G>A (NM_001374730.1); c.16636-523G>A (NM_001374729.1).
Identifiers: ClinVar variation 1798362 (VCV001798362.2), dbSNP rs2096858541, ClinGen allele CA450619031.